The following is an entry in ClinVar:

NM_002474.3(MYH11):c.5863G>A (p.Glu1955Lys)

Genes: NDE1 (nudE neurodevelopment protein 1; plus strand), MYH11 (myosin heavy chain 11; minus strand). Cytogenetic location: 16p13.11.
Variant type: single nucleotide variant.
Coding change: c.5863G>A on transcript NM_002474.3 (MANE Select); coding-DNA position 5863, G replaced by A.
Protein change: p.Glu1955Lys; replaces glutamic acid 1955 with lysine.
Molecular consequence: missense variant. On other transcripts: 3 prime UTR variant (2), intron variant (2).
Genome position (GRCh38, 1-based): chr16:15,704,047, C>T on the plus strand (G>A on the coding strand, the complement: MYH11 is on the minus strand). VCF-style: chr16-15704047-C-T. GRCh37 (hg19) VCF-style: chr16-15797904-C-T.
Other names: c.*85G>A (NM_022844.3, NM_001040113.2); c.947+7187C>T (NM_001143979.2, NM_017668.3); c.5884G>A, p.Glu1962Lys (NM_001040114.2); short protein forms E1955K, E1962K.
Identifiers: ClinVar variation 927588 (VCV000927588.3), dbSNP rs2039321637, ClinGen allele CA394843684.

ClinVar aggregate classification (germline): Uncertain significance (1 of 4 stars; one submission).

Conditions:
Familial thoracic aortic aneurysm and aortic dissection (TAAD). Also called: Thoracic aortic aneurysms and dissections. Identifiers: Orphanet 91387, MedGen C4707243, MONDO:0019625.

Allele frequency attached by ClinVar (database versions not stated): gnomAD 0.00001; TOPMed below 0.00001.
gnomAD v4.1: 2 of 1,613,990 alleles (0.00012%); highest among the groups gnomAD compares: African/African-American, 0.0013%; no homozygotes.

Submission:

Color Diagnostics, LLC DBA Color Health
Classification: Uncertain significance for Familial thoracic aortic aneurysm and aortic dissection. Last evaluated: 2018-12-01. Review status: criteria provided, single submitter. Criteria: ACMG Guidelines, 2015. Collection method: clinical testing. Allele origin: germline.
Comment: Variant of Uncertain Significance due to insufficient evidence: This variant changes one nucleotide in the 3' untranslated region of the MYH11 gene. To our knowledge, functional assays have not been performed for this variant nor has this variant been reported in individuals affected with cardiovascular disorders in the literature. This variant is rare in the general population and has been identified in 0/277264 chromosomes by the Genome Aggregation Database (gnomAD). Available evidence is insufficient to determine the pathogenicity of this variant conclusively.